The following is an entry in ClinVar:

ClinVar aggregate classification (germline): Uncertain significance (1 of 4 stars; one submission).

Conditions:
Short-rib thoracic dysplasia 14 with polydactyly (SRTD14). Identifiers: Orphanet 397715, MedGen C4225286, MONDO:0014688, OMIM 616546.
Joubert syndrome 23 (JBTS23). Identifiers: Orphanet 475, MedGen C4084822, MONDO:0014664, OMIM 616490.

Allele frequency attached by ClinVar (database versions not stated): gnomAD exomes 0.00004.

Submission:

Labcorp Genetics (formerly Invitae), Labcorp
Classification: Uncertain significance for Joubert syndrome 23; Short-rib thoracic dysplasia 14 with polydactyly. Last evaluated: 2022-07-13. Review status: criteria provided, single submitter. Criteria: Invitae Variant Classification Sherloc (09022015). Collection method: clinical testing. Allele origin: germline.
Comment: Variants that disrupt the consensus splice site are a relatively common cause of aberrant splicing (PMID: 17576681, 9536098). Algorithms developed to predict the effect of sequence changes on RNA splicing suggest that this variant is not likely to affect RNA splicing. In summary, the available evidence is currently insufficient to determine the role of this variant in disease. Therefore, it has been classified as a Variant of Uncertain Significance. This variant has not been reported in the literature in individuals affected with KIAA0586-related conditions. This variant is present in population databases (rs202068206, gnomAD 0.003%). This sequence change falls in intron 24 of the KIAA0586 gene. It does not directly change the encoded amino acid sequence of the KIAA0586 protein. It affects a nucleotide within the consensus splice site.

Literature cited by the submitters: PubMed 17576681; PubMed 9536098.

NM_001329943.3(KIAA0586):c.3304+5A>C

Gene: KIAA0586 (KIAA0586; plus strand). Cytogenetic location: 14q23.1.
Variant type: single nucleotide variant.
Coding change: c.3304+5A>C on transcript NM_001329943.3 (MANE Select); 5 bases into the intron after coding-DNA position 3304, A replaced by C.
Molecular consequence: intron variant.
Genome position (GRCh38, 1-based): chr14:58,487,171, A>C. VCF-style: chr14-58487171-A-C. GRCh37 (hg19) VCF-style: chr14-58953889-A-C.
Other names: c.3463+5A>C (NM_001244189.2); c.3259+5A>C (NM_001244190.2); c.3172+5A>C (NM_001244192.2); c.3049+5A>C (NM_001244191.2, NM_001364701.2, NM_001329945.2 and 1 more transcripts); c.3304+5A>C (NM_001329944.2, NM_001329946.2, NM_001329947.2); c.3076+5A>C (NM_014749.5); c.2884+5A>C (NM_001244193.2).
Identifiers: ClinVar variation 2418346 (VCV002418346.4), dbSNP rs202068206, ClinGen allele CA261647164.